The following is an entry in ClinVar:

NM_020975.6(RET):c.307C>T (p.His103Tyr)

Gene: RET (ret proto-oncogene; plus strand). Cytogenetic location: 10q11.21.
Variant type: single nucleotide variant.
Coding change: c.307C>T on transcript NM_020975.6 (MANE Select); coding-DNA position 307, C replaced by T.
Protein change: p.His103Tyr; replaces histidine 103 with tyrosine.
Molecular consequence: missense variant.
Genome position (GRCh38, 1-based): chr10:43,100,692, C>T. VCF-style: chr10-43100692-C-T. GRCh37 (hg19) VCF-style: chr10-43596140-C-T.
Other names: c.307C>T, p.His103Tyr (NM_001406743.1, NM_001406744.1, NM_001406759.1 and 34 more transcripts); short protein forms H103Y.
Identifiers: ClinVar variation 941689 (VCV000941689.14), dbSNP rs1217820916, ClinGen allele CA376770535.

ClinVar aggregate classification (germline): Conflicting classifications of pathogenicity. Review status: criteria provided, conflicting classifications (1 of 4 stars). 3 submissions from 3 submitters: Uncertain significance (2); Likely benign (1). Last evaluated 2025-06-25.

Conditions:
Multiple endocrine neoplasia, type 2 (MEN2). Identifiers: Orphanet 653, MedGen C4048306, MONDO:0019003. Disease mechanism: gain of function.
Hereditary cancer-predisposing syndrome. Also called: Hereditary neoplastic syndrome; Neoplastic Syndromes, Hereditary; Tumor predisposition; Hereditary Cancer Syndrome. Identifiers: Orphanet 140162, MedGen C0027672, MeSH D009386, MONDO:0015356.

Allele frequency attached by ClinVar (database versions not stated): gnomAD exomes below 0.00001.
gnomAD v4.1: 5 of 1,607,440 alleles (0.00031%); highest among the groups gnomAD compares: Non-Finnish European, 0.00025%; no homozygotes.

Submissions (3):

Color Diagnostics, LLC DBA Color Health
Classification: Uncertain significance for Multiple endocrine neoplasia, type 2. Last evaluated: 2025-06-25. Review status: criteria provided, single submitter. Criteria: ACMG Guidelines, 2015. Collection method: clinical testing. Allele origin: germline.
Comment: This missense variant replaces histidine with tyrosine at codon 103 of the RET protein. Computational prediction suggests that this variant may not impact protein structure and function. To our knowledge, functional studies have not been reported for this variant. This variant has not been reported in individuals affected with RET-related disorders in the literature. This variant has not been identified in the general population by the Genome Aggregation Database (gnomAD). The available evidence is insufficient to determine the role of this variant in disease conclusively. Therefore, this variant is classified as a Variant of Uncertain Significance.

Ambry Genetics
Classification: Likely benign for Hereditary cancer-predisposing syndrome. Last evaluated: 2024-09-19. Review status: criteria provided, single submitter. Criteria: Ambry Variant Classification Scheme 2023. Collection method: clinical testing. Allele origin: germline.

Labcorp Genetics (formerly Invitae), Labcorp
Classification: Uncertain significance for Multiple endocrine neoplasia, type 2. Last evaluated: 2022-08-12. Review status: criteria provided, single submitter. Criteria: Invitae Variant Classification Sherloc (09022015). Collection method: clinical testing. Allele origin: germline.
Comment: In summary, the available evidence is currently insufficient to determine the role of this variant in disease. Therefore, it has been classified as a Variant of Uncertain Significance. Algorithms developed to predict the effect of missense changes on protein structure and function (SIFT, PolyPhen-2, Align-GVGD) all suggest that this variant is likely to be tolerated. ClinVar contains an entry for this variant (Variation ID: 941689). This variant has not been reported in the literature in individuals affected with RET-related conditions. This variant is not present in population databases (gnomAD no frequency). This sequence change replaces histidine, which is basic and polar, with tyrosine, which is neutral and polar, at codon 103 of the RET protein (p.His103Tyr).